The following is an entry in ClinVar:

ClinVar aggregate classification (germline): Pathogenic. Review status: criteria provided, multiple submitters, no conflicts (2 of 4 stars). 2 submissions from 2 submitters: Pathogenic (2). Last evaluated 2025-02-10.

Conditions:
Neurofibromatosis, type 1 (NF1). Also called: Peripheral type neurofibromatosis; Neurofibromatosis, type I; VON RECKLINGHAUSEN DISEASE; NEUROFIBROMATOSIS, TYPE I, SOMATIC. Identifiers: Orphanet 636, MedGen C0027831, MONDO:0018975, OMIM 162200. Disease mechanism: loss of function.

Submissions (2):

Labcorp Genetics (formerly Invitae), Labcorp
Classification: Pathogenic for Neurofibromatosis, type 1. Last evaluated: 2025-02-10. Review status: criteria provided, single submitter. Criteria: Invitae Variant Classification Sherloc (09022015). Collection method: clinical testing. Allele origin: germline.
Comment: This sequence change creates a premature translational stop signal (p.Gln2507*) in the NF1 gene. It is expected to result in an absent or disrupted protein product. Loss-of-function variants in NF1 are known to be pathogenic (PMID: 10712197, 23913538). This variant is not present in population databases (gnomAD no frequency). This premature translational stop signal has been observed in individual(s) with neurofibromatosis type 1 (PMID: 29415745). ClinVar contains an entry for this variant (Variation ID: 836626). Algorithms developed to predict the effect of sequence changes on RNA splicing suggest that this variant may disrupt the consensus splice site. For these reasons, this variant has been classified as Pathogenic.

GeneDx
Classification: Pathogenic. Last evaluated: 2024-12-04. Review status: criteria provided, single submitter. Criteria: GeneDx Variant Classification Process June 2021. Collection method: clinical testing. Allele origin: germline. Affected: yes.
Comment: Nonsense variant predicted to result in protein truncation or nonsense mediated decay in a gene for which loss of function is a known mechanism of disease; Not observed at significant frequency in large population cohorts (gnomAD); This variant is associated with the following publications: (PMID: 25405498, 29415745)

Literature cited by the submitters: PubMed 10712197 (cited by Labcorp Genetics (formerly Invitae), Labcorp); PubMed 23913538 (cited by Labcorp Genetics (formerly Invitae), Labcorp); PubMed 29415745 (cited by Labcorp Genetics (formerly Invitae), Labcorp).

NM_001042492.3(NF1):c.7582C>T (p.Gln2528Ter)

Gene: NF1 (neurofibromin 1; plus strand). Cytogenetic location: 17q11.2.
Variant type: single nucleotide variant.
Coding change: c.7582C>T on transcript NM_001042492.3 (MANE Select); coding-DNA position 7582, C replaced by T.
Protein change: p.Gln2528Ter; replaces glutamine 2528 with a stop codon.
Molecular consequence: nonsense.
Genome position (GRCh38, 1-based): chr17:31,352,381, C>T. VCF-style: chr17-31352381-C-T. GRCh37 (hg19) VCF-style: chr17-29679399-C-T.
Other names: c.7519C>T, p.Gln2507Ter (NM_000267.4); short protein forms Q2507*, Q2528*.
Identifiers: ClinVar variation 836626 (VCV000836626.6), dbSNP rs2070171679, ClinGen allele CA399017776.